The following is an entry in ClinVar:

NM_000540.3(RYR1):c.538-7C>T

Gene: RYR1 (ryanodine receptor 1; plus strand). Cytogenetic location: 19q13.2.
Variant type: single nucleotide variant.
Coding change: c.538-7C>T on transcript NM_000540.3 (MANE Select); 7 bases into the intron before coding-DNA position 538, C replaced by T.
Molecular consequence: intron variant.
Genome position (GRCh38, 1-based): chr19:38,444,577, C>T. VCF-style: chr19-38444577-C-T. GRCh37 (hg19) VCF-style: chr19-38935217-C-T.
Other names: c.538-7C>T (NM_001042723.2).
Identifiers: ClinVar variation 1648740 (VCV001648740.9), dbSNP rs768992418, ClinGen allele CA067066.

ClinVar aggregate classification (germline): Likely benign. Review status: criteria provided, multiple submitters, no conflicts (2 of 4 stars). 2 submissions from 2 submitters: Likely benign (2). Last evaluated 2024-04-16.

Conditions:
Malignant hyperthermia, susceptibility to, 1 (MHS1). Also called: Anesthesia related hyperthermia; Malignant hyperpyrexia; Fulminating hyperpyrexia; Pharmacogenic myopathy; Malignant hyperthermia suceptibility 1; RYR1-Related Malignant Hyperthermia Susceptibility. Identifiers: Orphanet 423, MedGen C2930980, MONDO:0007783, OMIM 145600.
RYR1-related disorder. Also called: RYR1-related disorders; RYR1-related condition. Identifiers: MedGen CN239331.

Allele frequency attached by ClinVar (database versions not stated): gnomAD exomes below 0.00001 and 0.00002; ExAC 0.00002.
gnomAD v4.1: 7 of 1,612,000 alleles (0.00043%); highest among the groups gnomAD compares: South Asian, 0.0044%; no homozygotes.

Submissions (2):

All of Us Research Program, National Institutes of Health
Classification: Likely benign for Malignant hyperthermia, susceptibility to, 1. Last evaluated: 2024-04-16. Review status: criteria provided, single submitter. Criteria: ACMG Guidelines, 2015. Collection method: clinical testing. Allele origin: germline. Inheritance: Autosomal dominant inheritance. Observed: 1 variant allele, 1 heterozygote.
Comment: This study involves interpretation of variants in research participants for the purpose of population health screening. Participant phenotype was not available at the time of variant classification. Additional details can be found in publication PMID: 35346344, PMCID: PMC8962531

Labcorp Genetics (formerly Invitae), Labcorp
Classification: Likely benign for RYR1-related disorder. Last evaluated: 2022-01-12. Review status: criteria provided, single submitter. Criteria: Invitae Variant Classification Sherloc (09022015). Collection method: clinical testing. Allele origin: germline.